The following is an entry in ClinVar:

ClinVar aggregate classification (germline): Uncertain significance (1 of 4 stars; one submission).

Submission:

GeneDx
Classification: Uncertain significance. Last evaluated: 2026-04-07. Review status: criteria provided, single submitter. Criteria: GeneDx Variant Classification Process June 2021. Collection method: clinical testing. Allele origin: germline.
Comment: Not observed at significant frequency in large population cohorts (gnomAD); In silico analysis supports that this missense variant has a deleterious effect on protein structure/function; Has not been previously published as pathogenic or benign to our knowledge

NM_001083619.3(GRIA2):c.1907C>T (p.Ser636Phe)

Gene: GRIA2 (glutamate ionotropic receptor AMPA type subunit 2; plus strand). Cytogenetic location: 4q32.1.
Variant type: single nucleotide variant.
Coding change: c.1907C>T on transcript NM_001083619.3 (MANE Select); coding-DNA position 1907, C replaced by T.
Protein change: p.Ser636Phe; replaces serine 636 with phenylalanine.
Molecular consequence: missense variant.
Genome position (GRCh38, 1-based): chr4:157,341,326, C>T. VCF-style: chr4-157341326-C-T. GRCh37 (hg19) VCF-style: chr4-158262478-C-T.
Other names: c.1907C>T, p.Ser636Phe (NM_000826.6); c.1766C>T, p.Ser589Phe (NM_001083620.3, NM_001379000.3, NM_001379001.3); short protein forms S589F, S636F.
Identifiers: ClinVar variation 5018289 (VCV005018289.1).